The following is an entry in ClinVar:

ClinVar aggregate classification (germline): Conflicting classifications of pathogenicity. Review status: criteria provided, conflicting classifications (1 of 4 stars). 3 submissions from 3 submitters: Uncertain significance (2); Likely benign (1). Last evaluated 2025-12-24.

Conditions:
Familial adenomatous polyposis 3. Also called: NTHL1-related attenuated familial adenomatous polyposis; NTHL1 Tumor Syndrome; NTHL1-associated polyposis; NTHL1-Related Adenomatous Polyposis and Colorectal Cancer. Identifiers: Orphanet 220460, Orphanet 454840, MedGen C4225157, MONDO:0014630, OMIM 616415.
Hereditary cancer-predisposing syndrome. Also called: Neoplastic Syndromes, Hereditary; Hereditary Cancer Syndrome; Hereditary neoplastic syndrome; Tumor predisposition. Identifiers: Orphanet 140162, MedGen C0027672, MeSH D009386, MONDO:0015356.

Allele frequency attached by ClinVar (database versions not stated): gnomAD 0.00001; gnomAD exomes 0.00001.
gnomAD v4.1: 8 of 1,583,756 alleles (0.00051%); highest among the groups gnomAD compares: African/African-American, 0.0013%; no homozygotes.

Submissions (3):

Labcorp Genetics (formerly Invitae), Labcorp
Classification: Uncertain significance. Last evaluated: 2025-12-24. Review status: criteria provided, single submitter. Criteria: Invitae Variant Classification Sherloc (09022015). Collection method: clinical testing. Allele origin: germline.
Comment: This sequence change replaces arginine, which is basic and polar, with tryptophan, which is neutral and slightly polar, at codon 40 of the NTHL1 protein (p.Arg40Trp). This variant is not present in population databases (gnomAD no frequency). This variant has not been reported in the literature in individuals affected with NTHL1-related conditions. ClinVar contains an entry for this variant (Variation ID: 1007172). An algorithm developed to predict the effect of missense changes on protein structure and function (PolyPhen-2) suggests that this variant is likely to be tolerated. In summary, the available evidence is currently insufficient to determine the role of this variant in disease. Therefore, it has been classified as a Variant of Uncertain Significance.

Ambry Genetics
Classification: Likely benign for Hereditary cancer-predisposing syndrome. Last evaluated: 2025-07-10. Review status: criteria provided, single submitter. Criteria: Ambry Variant Classification Scheme 2023. Collection method: clinical testing. Allele origin: germline.

Fulgent Genetics
Classification: Uncertain significance for Familial adenomatous polyposis 3. Last evaluated: 2021-10-14. Review status: criteria provided, single submitter. Criteria: ACMG Guidelines, 2015. Collection method: clinical testing. Allele origin: unknown.

Literature cited by the submitters: PubMed 33980861 (cited by Ambry Genetics).

NM_002528.7(NTHL1):c.94C>T (p.Arg32Trp)

Gene: NTHL1 (nth like DNA glycosylase 1; minus strand). Cytogenetic location: 16p13.3.
Variant type: single nucleotide variant.
Coding change: c.94C>T on transcript NM_002528.7 (MANE Select); coding-DNA position 94, C replaced by T.
Protein change: p.Arg32Trp; replaces arginine 32 with tryptophan.
Molecular consequence: missense variant. On other transcripts: 5 prime UTR variant (1).
Genome position (GRCh38, 1-based): chr16:2,047,730, G>A on the plus strand (C>T on the coding strand, the complement: NTHL1 is on the minus strand). VCF-style: chr16-2047730-G-A. GRCh37 (hg19) VCF-style: chr16-2097731-G-A.
Other names: c.94C>T, p.Arg32Trp (NM_001318193.2); c.-85C>T (NM_001318194.2); short protein forms R32W.
Identifiers: ClinVar variation 1007172 (VCV001007172.12), dbSNP rs1285624591, ClinGen allele CA394298310.
Genomic context (GRCh38, chr16:2,047,730, plus strand): 5'-CCCGCCTCCTCCCACGCTCCAGCCACGGCGCGGCGCTACCTGCTGCAGCCTCTCTTCTCC[G>A]GAGAGGCCCGGGCTCCTCCCTACACCCCCGCGGCCCAGCCCCGGGTCCCAGGCTCCGGCT-3'
Protein context (NP_002519.2, residues 22-42): RGCREEPGPL[Arg32Trp]RREAAAEARK